The following is an entry in ClinVar:

ClinVar aggregate classification (germline): Uncertain significance (1 of 4 stars; one submission).

Conditions:
Inborn genetic diseases. Identifiers: MedGen C0950123, MeSH D030342.

Submission:

Ambry Genetics
Classification: Uncertain significance for Inborn genetic diseases. Last evaluated: 2026-07-06. Review status: criteria provided, single submitter. Criteria: Ambry Variant Classification Scheme 2023. Collection method: clinical testing. Allele origin: germline.
Comment: The p.F179I variant (also known as c.535T>A), located in coding exon 1 of the CEBPA gene, results from a T to A substitution at nucleotide position 535. The phenylalanine at codon 179 is replaced by isoleucine, an amino acid with highly similar properties. This amino acid position is conserved. In addition, this alteration is predicted to be tolerated by in silico analysis. Based on the available evidence, the clinical significance of this variant remains unclear.

NM_004364.5(CEBPA):c.535T>A (p.Phe179Ile)

Gene: CEBPA (CCAAT enhancer binding protein alpha; minus strand). Cytogenetic location: 19q13.11.
Variant type: single nucleotide variant.
Coding change: c.535T>A on transcript NM_004364.5 (MANE Select); coding-DNA position 535, T replaced by A.
Protein change: p.Phe179Ile; replaces phenylalanine 179 with isoleucine.
Molecular consequence: missense variant.
Genome position (GRCh38, 1-based): chr19:33,301,880, A>T on the plus strand (T>A on the coding strand, the complement: CEBPA is on the minus strand). VCF-style: chr19-33301880-A-T. GRCh37 (hg19) VCF-style: chr19-33792786-A-T.
Other names: c.178T>A, p.Phe60Ile (NM_001285829.2); c.640T>A, p.Phe214Ile (NM_001287424.2); c.493T>A, p.Phe165Ile (NM_001287435.2); short protein forms F214I, F60I, F165I, F179I.
Identifiers: ClinVar variation 5034276 (VCV005034276.1).